The following is an entry in ClinVar:

ClinVar aggregate classification (germline): Uncertain significance (1 of 4 stars; one submission).

Conditions:
Saldino-Mainzer syndrome (SRTD9). Also called: CONORENAL SYNDROME; Renal dysplasia, retinal pigmentary dystrophy, cerebellar ataxia and skeletal dysplasia; SHORT-RIB THORACIC DYSPLASIA 9 WITHOUT POLYDACTYLY; short-rib thoracic dysplasia 9 with or without polydactyly. Identifiers: Orphanet 140969, MedGen C1849437, MONDO:0009964, OMIM 266920.

Submission:

Labcorp Genetics (formerly Invitae), Labcorp
Classification: Uncertain significance for Saldino-Mainzer syndrome. Last evaluated: 2025-01-11. Review status: criteria provided, single submitter. Criteria: Invitae Variant Classification Sherloc (09022015). Collection method: clinical testing. Allele origin: germline.
Comment: This sequence change replaces methionine, which is neutral and non-polar, with lysine, which is basic and polar, at codon 293 of the IFT140 protein (p.Met293Lys). This variant is not present in population databases (gnomAD no frequency). This variant has not been reported in the literature in individuals affected with IFT140-related conditions. Invitae Evidence Modeling of protein sequence and biophysical properties (such as structural, functional, and spatial information, amino acid conservation, physicochemical variation, residue mobility, and thermodynamic stability) has been performed for this missense variant. However, the output from this modeling did not meet the statistical confidence thresholds required to predict the impact of this variant on IFT140 protein function. In summary, the available evidence is currently insufficient to determine the role of this variant in disease. Therefore, it has been classified as a Variant of Uncertain Significance.

NM_014714.4(IFT140):c.878T>A (p.Met293Lys)

Genes: IFT140 (intraflagellar transport 140; minus strand), LOC105371046 (uncharacterized LOC105371046; plus strand). Cytogenetic location: 16p13.3.
Variant type: single nucleotide variant.
Coding change: c.878T>A on transcript NM_014714.4 (MANE Select); coding-DNA position 878, T replaced by A.
Protein change: p.Met293Lys; replaces methionine 293 with lysine.
Molecular consequence: missense variant.
Genome position (GRCh38, 1-based): chr16:1,587,957, A>T on the plus strand (T>A on the coding strand, the complement: IFT140 is on the minus strand). VCF-style: chr16-1587957-A-T. GRCh37 (hg19) VCF-style: chr16-1637958-A-T.
Other names: short protein forms M293K.
Identifiers: ClinVar variation 3688981 (VCV003688981.2).